The following is an entry in ClinVar:

ClinVar aggregate classification (germline): Uncertain significance (1 of 4 stars; one submission).

Allele frequency attached by ClinVar (database versions not stated): ExAC 0.00001; gnomAD 0.00001; TOPMed 0.00001; gnomAD exomes 0.00005.
gnomAD v4.1: 43 of 1,614,006 alleles (0.0027%); highest among the groups gnomAD compares: Non-Finnish European, 0.0036%; no homozygotes.

Submission:

Labcorp Genetics (formerly Invitae), Labcorp
Classification: Uncertain significance. Last evaluated: 2022-07-27. Review status: criteria provided, single submitter. Criteria: Invitae Variant Classification Sherloc (09022015). Collection method: clinical testing. Allele origin: germline.
Comment: This sequence change affects codon 513 of the PLG mRNA. It is a 'silent' change, meaning that it does not change the encoded amino acid sequence of the PLG protein. This variant is present in population databases (rs752334341, gnomAD 0.002%). This variant has not been reported in the literature in individuals affected with PLG-related conditions. Algorithms developed to predict the effect of sequence changes on RNA splicing suggest that this variant may disrupt the consensus splice site. In summary, the available evidence is currently insufficient to determine the role of this variant in disease. Therefore, it has been classified as a Variant of Uncertain Significance.

NM_000301.5(PLG):c.1539C>T (p.His513=)

Gene: PLG (plasminogen; plus strand). Cytogenetic location: 6q26.
Variant type: single nucleotide variant.
Coding change: c.1539C>T on transcript NM_000301.5 (MANE Select); coding-DNA position 1539, C replaced by T.
Protein change: p.His513=; no amino-acid change (histidine 513 retained).
Molecular consequence: synonymous variant.
Genome position (GRCh38, 1-based): chr6:160,731,845, C>T. VCF-style: chr6-160731845-C-T. GRCh37 (hg19) VCF-style: chr6-161152877-C-T.
Identifiers: ClinVar variation 1928192 (VCV001928192.5), dbSNP rs752334341, ClinGen allele CA4087814.